The following is an entry in ClinVar:

ClinVar aggregate classification (germline): Benign/Likely benign. Review status: criteria provided, multiple submitters, no conflicts (2 of 4 stars). 10 submissions from 9 submitters: Benign (6); Likely benign (3). 1 of the submissions does not count toward it. Last evaluated 2026-01-28.

Conditions:
Hereditary cancer-predisposing syndrome. Also called: Tumor predisposition; Neoplastic Syndromes, Hereditary; Hereditary neoplastic syndrome; Hereditary Cancer Syndrome. Identifiers: Orphanet 140162, MedGen C0027672, MeSH D009386, MONDO:0015356.
Nijmegen breakage syndrome-like disorder (NBSLD). Also called: MICROCEPHALY AND SPONTANEOUS CHROMOSOME INSTABILITY WITHOUT IMMUNODEFICIENCY; NBS-LIKE DISORDER; RAD50 DEFICIENCY. Identifiers: Orphanet 240760, MedGen C2751318, MONDO:0013118, OMIM 613078.
Familial cancer of breast. Also called: BREAST CANCER, FAMILIAL; hereditary breast carcinoma; Hereditary breast cancer. Identifiers: Orphanet 227535, MedGen C0346153, MONDO:0016419, OMIM 114480. Disease mechanism: loss of function.

Allele frequency attached by ClinVar (database versions not stated): gnomAD exomes 0.00031 and 0.00077; ExAC 0.00105; gnomAD 0.00313 and 0.00325; TOPMed 0.00341; 1000 Genomes Project 30x 0.00406; ESP Exome Variant Server 0.00415; 1000 Genomes Project 0.00419.
gnomAD v4.1: 950 of 1,612,792 alleles (0.059%); highest among the groups gnomAD compares: African/African-American, 1.1%; 5 homozygotes.

Submissions (10):

Labcorp Genetics (formerly Invitae), Labcorp
Classification: Benign for Hereditary cancer-predisposing syndrome. Last evaluated: 2026-01-28. Review status: criteria provided, single submitter. Criteria: Invitae Variant Classification Sherloc (09022015). Collection method: clinical testing. Allele origin: germline.

Quest Diagnostics Nichols Institute San Juan Capistrano
Classification: Benign. Last evaluated: 2025-09-29. Review status: criteria provided, single submitter. Criteria: Quest Diagnostics criteria. Collection method: clinical testing. Allele origin: unknown.

KCCC/NGS Laboratory, Kuwait Cancer Control Center
Classification: Benign for Nijmegen breakage syndrome-like disorder. Last evaluated: 2025-02-01. Review status: criteria provided, single submitter. Criteria: ACMG Guidelines, 2015. Collection method: clinical testing. Allele origin: germline. Affected: no.

Blueprint Genetics
Classification: Likely benign. Last evaluated: 2024-09-23. Review status: criteria provided, single submitter. Criteria: ACMG Guidelines, 2015. Collection method: clinical testing. Allele origin: germline.

KCCC/NGS Laboratory, Kuwait Cancer Control Center
Classification: Benign for Familial cancer of breast. Last evaluated: 2023-07-07. Review status: criteria provided, single submitter. Criteria: ACMG Guidelines, 2015. Collection method: clinical testing. Allele origin: germline. Affected: yes.

Genetic Services Laboratory, University of Chicago
Classification: Benign. Last evaluated: 2020-11-03. Review status: criteria provided, single submitter. Criteria: ACMG Guidelines, 2015. Collection method: clinical testing. Allele origin: germline. Affected: no.

Women's Health and Genetics/Laboratory Corporation of America, LabCorp
Classification: Benign. Last evaluated: 2018-05-18. Review status: criteria provided, single submitter. Criteria: LabCorp Variant Classification Summary - May 2015. Collection method: clinical testing. Allele origin: germline.
Comment: Variant summary: RAD50 c.3153G>A alters a non-conserved nucleotide resulting in a synonymous change. 5/5 computational tools predict no significant impact on normal splicing. However, these predictions have yet to be confirmed by functional studies. The variant allele was found at a frequency of 0.001 in 276550 control chromosomes, predominantly at a frequency of 0.011 within the African subpopulation in the gnomAD database, including 1 homozygotes. The observed variant frequency within African control individuals in the gnomAD database is approximately 175.99 fold of the estimated maximal expected allele frequency for a pathogenic variant in RAD50 causing Hereditary Breast and Ovarian Cancer phenotype (6.3e-05), strongly suggesting that the variant is a benign polymorphism found primarily in populations of African origin. Co-occurrences with other potentially pathogenic variant(s) have been reported (RAD50 c.552-1G>A), providing supporting evidence for a benign role. To our knowledge, no experimental evidence demonstrating an impact on protein function has been reported. Three clinical diagnostic laboratories have submitted clinical-significance assessments for this variant to ClinVar after 2014 without evidence for independent evaluation. All laboratories classified the variant as benign/likely benign. Based on the evidence outlined above, the variant was classified as benign.

Ambry Genetics
Classification: Likely benign for Hereditary cancer-predisposing syndrome. Last evaluated: 2014-05-29. Review status: criteria provided, single submitter. Criteria: Ambry Variant Classification Scheme 2023. Collection method: clinical testing. Allele origin: germline.

Breakthrough Genomics
Classification: Likely benign. Review status: criteria provided, single submitter. Criteria: ACMG Guidelines, 2015. Collection method: not provided. Allele origin: germline. Inheritance: Autosomal recessive inheritance. Affected: yes.

Counsyl
Classification: Benign for Nijmegen breakage syndrome-like disorder. Last evaluated: 2016-08-22. Review status: no assertion criteria provided. Collection method: clinical testing. Allele origin: unknown. Not counted in ClinVar's aggregate classification.

Literature cited by the submitters: PubMed 24894818 (cited by 3 submitters).

NM_005732.4(RAD50):c.3153G>A (p.Leu1051=)

Gene: RAD50 (RAD50 double strand break repair protein; plus strand). Cytogenetic location: 5q31.1.
Variant type: single nucleotide variant.
Coding change: c.3153G>A on transcript NM_005732.4 (MANE Select); coding-DNA position 3153, G replaced by A.
Protein change: p.Leu1051=; no amino-acid change (leucine 1051 retained).
Molecular consequence: synonymous variant.
Genome position (GRCh38, 1-based): chr5:132,616,119, G>A. VCF-style: chr5-132616119-G-A. GRCh37 (hg19) VCF-style: chr5-131951811-G-A.
Identifiers: ClinVar variation 183821 (VCV000183821.31), dbSNP rs35800931, ClinGen allele CA208167.
Genomic context (GRCh38, chr5:132,616,119, plus strand): 5'-AAAAGAAGTTGAAGAAGAAAGAAAACAACATTTGAAGGAAATGGGTCAAATGCAGGTTTT[G>A]CAAATGAAAAGGTATGCTTTTAAAATAATCTTCAGTTTAAATAAACGTCTTTATTACTGG-3'
Protein context (NP_005723.2, residues 1041-1061): HLKEMGQMQV[Leu1051=]QMKSEHQKLE